The following is an entry in ClinVar:

ClinVar aggregate classification (germline): Uncertain significance. Review status: criteria provided, multiple submitters, no conflicts (2 of 4 stars). 2 submissions from 2 submitters: Uncertain significance (2). Last evaluated 2023-06-07.

Conditions:
Hereditary cancer-predisposing syndrome. Also called: Tumor predisposition; Hereditary neoplastic syndrome; Neoplastic Syndromes, Hereditary; Hereditary Cancer Syndrome. Identifiers: Orphanet 140162, MedGen C0027672, MeSH D009386, MONDO:0015356.
Tuberous sclerosis 1 (TSC1). Identifiers: Orphanet 805, MedGen C1854465, MONDO:0008612, OMIM 191100.

Submissions (2):

Ambry Genetics
Classification: Uncertain significance for Hereditary cancer-predisposing syndrome. Last evaluated: 2023-06-07. Review status: criteria provided, single submitter. Criteria: Ambry Variant Classification Scheme 2023. Collection method: clinical testing. Allele origin: germline.
Comment: The p.S1164N variant (also known as c.3491G>A), located in coding exon 21 of the TSC1 gene, results from a G to A substitution at nucleotide position 3491. The serine at codon 1164 is replaced by asparagine, an amino acid with highly similar properties. This amino acid position is conserved. In addition, the in silico prediction for this alteration is inconclusive. Since supporting evidence is limited at this time, the clinical significance of this alteration remains unclear.

Labcorp Genetics (formerly Invitae), Labcorp
Classification: Uncertain significance for Tuberous sclerosis 1. Last evaluated: 2021-10-01. Review status: criteria provided, single submitter. Criteria: Invitae Variant Classification Sherloc (09022015). Collection method: clinical testing. Allele origin: germline.
Comment: This variant has not been reported in the literature in individuals affected with TSC1-related conditions. This variant is not present in population databases (ExAC no frequency). This sequence change replaces serine with asparagine at codon 1164 of the TSC1 protein (p.Ser1164Asn). The serine residue is moderately conserved and there is a small physicochemical difference between serine and asparagine. In summary, the available evidence is currently insufficient to determine the role of this variant in disease. Therefore, it has been classified as a Variant of Uncertain Significance. Algorithms developed to predict the effect of missense changes on protein structure and function are either unavailable or do not agree on the potential impact of this missense change (SIFT: "Deleterious"; PolyPhen-2: "Probably Damaging"; Align-GVGD: "Class C0").

NM_000368.5(TSC1):c.3491G>A (p.Ser1164Asn)

Gene: TSC1 (TSC complex subunit 1; minus strand). Cytogenetic location: 9q34.13.
Variant type: single nucleotide variant.
Coding change: c.3491G>A on transcript NM_000368.5 (MANE Select); coding-DNA position 3491, G replaced by A.
Protein change: p.Ser1164Asn; replaces serine 1164 with asparagine.
Molecular consequence: missense variant.
Genome position (GRCh38, 1-based): chr9:132,896,239, C>T on the plus strand (G>A on the coding strand, the complement: TSC1 is on the minus strand). VCF-style: chr9-132896239-C-T. GRCh37 (hg19) VCF-style: chr9-135771626-C-T.
Other names: c.3491G>A (NM_000368.4); c.3488G>A, p.Ser1163Asn (NM_001162426.2); c.3338G>A, p.Ser1113Asn (NM_001162427.2); c.3128G>A, p.Ser1043Asn (NM_001362177.2); short protein forms S1164N, S1163N, S1043N, S1113N.
Identifiers: ClinVar variation 1522107 (VCV001522107.7), dbSNP rs2131585043, ClinGen allele CA375366251.